The following is an entry in ClinVar:

NM_004859.4(CLTC):c.4418C>T (p.Thr1473Ile)

Genes: CLTC (clathrin heavy chain; plus strand), LOC126862609 (CDK7 strongly-dependent group 2 enhancer GRCh37_chr17:57760547-57761746; plus strand). Cytogenetic location: 17q23.1.
Variant type: single nucleotide variant.
Coding change: c.4418C>T on transcript NM_004859.4 (MANE Select); coding-DNA position 4418, C replaced by T.
Protein change: p.Thr1473Ile; replaces threonine 1473 with isoleucine.
Molecular consequence: missense variant.
Genome position (GRCh38, 1-based): chr17:59,683,969, C>T. VCF-style: chr17-59683969-C-T. GRCh37 (hg19) VCF-style: chr17-57761330-C-T.
Other names: c.4430C>T, p.Thr1477Ile (NM_001288653.2); short protein forms T1473I, T1477I.
Identifiers: ClinVar variation 2789853 (VCV002789853.3), dbSNP rs1052697241, ClinGen allele CA292117918.
Genomic context (GRCh38, chr17:59,683,969, plus strand): 5'-GTTCAGTTCAGAACCATAACAACAAATCTGTGAATGAATCATTGAACAATCTTTTTATTA[C>T]AGAAGAAGATTATCAGGTAAAACCTTTTGATTCTTGCACATAATCTCAAGACTCATAAAG-3'
Protein context (NP_004850.1, residues 1463-1483): VNESLNNLFI[Thr1473Ile]EEDYQALRTS

ClinVar aggregate classification (germline): Uncertain significance (1 of 4 stars; one submission).

Allele frequency attached by ClinVar (database versions not stated): gnomAD exomes below 0.00001; gnomAD 0.00003; TOPMed 0.00003.
gnomAD v4.1: 7 of 1,586,298 alleles (0.00044%); highest among the groups gnomAD compares: African/African-American, 0.0067%; no homozygotes.

Submission:

Labcorp Genetics (formerly Invitae), Labcorp
Classification: Uncertain significance. Last evaluated: 2023-09-03. Review status: criteria provided, single submitter. Criteria: Invitae Variant Classification Sherloc (09022015). Collection method: clinical testing. Allele origin: germline.
Comment: In summary, the available evidence is currently insufficient to determine the role of this variant in disease. Therefore, it has been classified as a Variant of Uncertain Significance. Advanced modeling of protein sequence and biophysical properties (such as structural, functional, and spatial information, amino acid conservation, physicochemical variation, residue mobility, and thermodynamic stability) performed at Invitae indicates that this missense variant is not expected to disrupt CLTC protein function. This variant has not been reported in the literature in individuals affected with CLTC-related conditions. This variant is present in population databases (no rsID available, gnomAD 0.004%). This sequence change replaces threonine, which is neutral and polar, with isoleucine, which is neutral and non-polar, at codon 1477 of the CLTC protein (p.Thr1477Ile).